The following is an entry in ClinVar:

NC_000020.10:g.(?_61452513)_(61452588_?)del

Gene: COL9A3 (collagen type IX alpha 3 chain; plus strand). Cytogenetic location: 20q13.33.
Variant type: Deletion.
Identifiers: ClinVar variation 3248328 (VCV003248328.1).

ClinVar aggregate classification (germline): Uncertain significance (1 of 4 stars; one submission).

Submission:

Labcorp Genetics (formerly Invitae), Labcorp
Classification: Uncertain significance. Last evaluated: 2023-10-05. Review status: criteria provided, single submitter. Criteria: Invitae Variant Classification Sherloc (09022015). Collection method: clinical testing. Allele origin: unknown.
Comment: This variant is a gross deletion of the genomic region encompassing exon(s) 6 of the COL9A3 gene. This variant would be expected to be in-frame, preserving the integrity of the reading frame. This variant has not been reported in the literature in individuals affected with COL9A3-related conditions. Experimental studies and prediction algorithms are not available or were not evaluated, and the functional significance of this variant is currently unknown. In summary, the available evidence is currently insufficient to determine the role of this variant in disease. Therefore, it has been classified as a Variant of Uncertain Significance.